The following is an entry in ClinVar:

NM_015466.4(PTPN23):c.3217T>C (p.Ser1073Pro)

Gene: PTPN23 (protein tyrosine phosphatase non-receptor type 23; plus strand). Cytogenetic location: 3p21.31.
Variant type: single nucleotide variant.
Coding change: c.3217T>C on transcript NM_015466.4 (MANE Select); coding-DNA position 3217, T replaced by C.
Protein change: p.Ser1073Pro; replaces serine 1073 with proline.
Molecular consequence: missense variant.
Genome position (GRCh38, 1-based): chr3:47,411,015, T>C. VCF-style: chr3-47411015-T-C. GRCh37 (hg19) VCF-style: chr3-47452505-T-C.
Other names: c.2839T>C, p.Ser947Pro (NM_001304482.2); short protein forms S947P, S1073P.
Identifiers: ClinVar variation 1907229 (VCV001907229.2), dbSNP rs780656431, ClinGen allele CA2366224.

ClinVar aggregate classification (germline): Uncertain significance (1 of 4 stars; one submission).

Allele frequency attached by ClinVar (database versions not stated): ExAC 0.00001; gnomAD exomes 0.00001; gnomAD 0.00002.
gnomAD v4.1: 15 of 1,589,872 alleles (0.00094%); highest among the groups gnomAD compares: Middle Eastern, 0.05%; no homozygotes.

Submission:

Labcorp Genetics (formerly Invitae), Labcorp
Classification: Uncertain significance. Last evaluated: 2022-08-08. Review status: criteria provided, single submitter. Criteria: Invitae Variant Classification Sherloc (09022015). Collection method: clinical testing. Allele origin: germline.
Comment: This sequence change replaces serine, which is neutral and polar, with proline, which is neutral and non-polar, at codon 1073 of the PTPN23 protein (p.Ser1073Pro). This variant is present in population databases (rs780656431, gnomAD 0.009%). This variant has not been reported in the literature in individuals affected with PTPN23-related conditions. Algorithms developed to predict the effect of missense changes on protein structure and function output the following: SIFT: "Tolerated"; PolyPhen-2: "Benign"; Align-GVGD: "Class C0". The proline amino acid residue is found in multiple mammalian species, which suggests that this missense change does not adversely affect protein function. In summary, the available evidence is currently insufficient to determine the role of this variant in disease. Therefore, it has been classified as a Variant of Uncertain Significance.